The following is an entry in ClinVar:

NM_001184819.2(GNL3L):c.351C>T (p.Asp117=)

Gene: GNL3L (G protein nucleolar 3 like; plus strand). Cytogenetic location: Xp11.22.
Variant type: single nucleotide variant.
Coding change: c.351C>T on transcript NM_001184819.2 (MANE Select); coding-DNA position 351, C replaced by T.
Protein change: p.Asp117=; no amino-acid change (aspartic acid 117 retained).
Molecular consequence: synonymous variant.
Genome position (GRCh38, 1-based): chrX:54,542,999, C>T. VCF-style: chrX-54542999-C-T. GRCh37 (hg19) VCF-style: chrX-54569432-C-T.
Other names: c.351C>T, p.Asp117= (NM_019067.6).
Identifiers: ClinVar variation 2660669 (VCV002660669.24), dbSNP rs371840838, ClinGen allele CA10425438.

ClinVar aggregate classification (germline): Likely benign (1 of 4 stars; one submission).

Allele frequency attached by ClinVar (database versions not stated): ExAC 0.00002; gnomAD 0.00006; TOPMed 0.00006; ESP Exome Variant Server 0.00009.
gnomAD v4.1: 61 of 1,186,736 alleles (0.0051%); highest among the groups gnomAD compares: Admixed American, 0.013%; no homozygotes.

Submission:

CeGaT Center for Human Genetics Tuebingen
Classification: Likely benign. Last evaluated: 2023-04-01. Review status: criteria provided, single submitter. Criteria: CeGaT Center For Human Genetics Tuebingen Variant Classification Criteria Version 2. Collection method: clinical testing. Allele origin: germline. Affected: yes. Observed: 1 variant allele.
Comment: GNL3L: BP4, BP7, BS2